The following is an entry in ClinVar:

NM_007294.4(BRCA1):c.3266del (p.Leu1089fs)

Genes: BRCA1 (BRCA1 DNA repair associated; minus strand), LOC126862571 (BRD4-independent group 4 enhancer GRCh37_chr17:41243136-41244335; plus strand). Cytogenetic location: 17q21.31.
Variant type: Deletion.
Coding change: c.3266del on transcript NM_007294.4 (MANE Select); coding-DNA position 3266, one base deleted (T; older notation c.3266delT).
Protein change: p.Leu1089fs; shifts the reading frame from leucine 1089.
Molecular consequence: frameshift variant. On other transcripts: intron variant (137).
Genome position (GRCh38, 1-based): chr17:43,092,265, A deleted on the plus strand (T on the coding strand, the reverse complement: BRCA1 is on the minus strand); the first of 4 consecutive A bases (chr17:43,092,265-43,092,268); deleting any one gives the same sequence. VCF-style (leftmost placement, unchanged base first): chr17-43092264-CA-C. GRCh37 (hg19) VCF-style: chr17-41244281-CA-C.
Other names: 3385delT-ter1108; c.3125del, p.Leu1042fs (NM_001407726.1, NM_001407727.1, NM_001407728.1 and 29 more transcripts); c.3122del, p.Leu1041fs (NM_001407744.1, NM_001407745.1, NM_001407746.1 and 20 more transcripts); c.3053del, p.Leu1018fs (NM_001407853.1, NM_001407894.1, NM_001407895.1 and 9 more transcripts); c.3266del, p.Leu1089fs (NM_001407854.1, NM_001407858.1, NM_007300.4 and 30 more transcripts); c.3056del, p.Leu1019fs (NM_001407884.1, NM_001407885.1, NM_001407886.1 and 13 more transcripts); c.3143del, p.Leu1048fs (NM_001407919.1, NM_001407937.1, NM_001407938.1 and 19 more transcripts); c.3002del, p.Leu1001fs (NM_001407920.1, NM_001407921.1, NM_001407933.1 and 9 more transcripts); and 43 more; short protein forms L1042fs, L1089fs, L1001fs, L1041fs, L1062fs, L1088fs, L793fs, L961fs.
Identifiers: ClinVar variation 266349 (VCV000266349.7), dbSNP rs886040109, ClinGen allele CA10589772.

ClinVar aggregate classification (germline): Pathogenic. Review status: reviewed by expert panel (3 of 4 stars). 3 submissions from 3 submitters: Pathogenic (1). 2 of the submissions do not count toward it. Last evaluated 2016-10-18.

Conditions:
Breast neoplasm. Also called: Neoplasm of the breast; Neoplasm of breast; Breast tumor; Breast Neoplasms. Identifiers: MedGen C1458155, MeSH D001943, MONDO:0021100, HP:0100013. Disease mechanism: gain of function.
Breast-ovarian cancer, familial, susceptibility to, 1 (BROVCA1). Also called: BRCA1 Hereditary Breast and Ovarian Cancer; OVARIAN CANCER, SUSCEPTIBILITY TO. Identifiers: Orphanet 145, MedGen C2676676, MONDO:0011450, OMIM 604370. Disease mechanism: loss of function.

Submissions (3):

Evidence-based Network for the Interpretation of Germline Mutant Alleles (ENIGMA)
Classification: Pathogenic for Breast-ovarian cancer, familial, susceptibility to, 1. Last evaluated: 2016-10-18. Review status: reviewed by expert panel. Criteria: ENIGMA BRCA1/2 Classification Criteria (2015). Collection method: curation. Allele origin: germline.
Comment: Variant allele predicted to encode a truncated non-functional protein.

Consortium of Investigators of Modifiers of BRCA1/2 (CIMBA), c/o University of Cambridge
Classification: Pathogenic for Breast-ovarian cancer, familial, susceptibility to, 1. Last evaluated: 2015-10-02. Review status: criteria provided, single submitter. Criteria: CIMBA Mutation Classification guidelines May 2016. Collection method: clinical testing. Allele origin: germline. Not counted in ClinVar's aggregate classification.

3DMed Clinical Laboratory Inc
Classification: Pathogenic for Neoplasm of the breast. Last evaluated: 2018-04-09. Review status: no assertion criteria provided. Criteria: ACMG Guidelines, 2015. Collection method: clinical testing. Allele origin: germline. Affected: yes. Not counted in ClinVar's aggregate classification.